The following is an entry in ClinVar:

NM_032444.4(SLX4):c.4066C>G (p.Pro1356Ala)

Gene: SLX4 (SLX4 structure-specific endonuclease subunit; minus strand). Cytogenetic location: 16p13.3.
Variant type: single nucleotide variant.
Coding change: c.4066C>G on transcript NM_032444.4 (MANE Select); coding-DNA position 4066, C replaced by G.
Protein change: p.Pro1356Ala; replaces proline 1356 with alanine.
Molecular consequence: missense variant.
Genome position (GRCh38, 1-based): chr16:3,589,572, G>C on the plus strand (C>G on the coding strand, the complement: SLX4 is on the minus strand). VCF-style: chr16-3589572-G-C. GRCh37 (hg19) VCF-style: chr16-3639573-G-C.
Other names: short protein forms P1356A.
Identifiers: ClinVar variation 941655 (VCV000941655.8), dbSNP rs532756081, ClinGen allele CA7865743.

ClinVar aggregate classification (germline): Uncertain significance. Review status: criteria provided, multiple submitters, no conflicts (2 of 4 stars). 2 submissions from 2 submitters: Uncertain significance (2). Last evaluated 2025-02-08.

Conditions:
Inborn genetic diseases. Identifiers: MedGen C0950123, MeSH D030342.
Fanconi anemia (FA). Also called: Fanconi's anemia. Identifiers: Orphanet 84, MedGen C0015625, MeSH D005199, MONDO:0019391.

Allele frequency attached by ClinVar (database versions not stated): gnomAD exomes below 0.00001 and 0.00001; gnomAD 0.00001 and 0.00002; ExAC 0.00002; TOPMed 0.00004; 1000 Genomes Project 30x 0.00016; 1000 Genomes Project 0.00020.
gnomAD v4.1: 9 of 1,613,204 alleles (0.00056%); highest among the groups gnomAD compares: African/African-American, 0.0093%; no homozygotes.

Submissions (2):

Ambry Genetics
Classification: Uncertain significance for Inborn genetic diseases. Last evaluated: 2025-02-08. Review status: criteria provided, single submitter. Criteria: Ambry Variant Classification Scheme 2023. Collection method: clinical testing. Allele origin: germline.

Labcorp Genetics (formerly Invitae), Labcorp
Classification: Uncertain significance for Fanconi anemia. Last evaluated: 2021-08-27. Review status: criteria provided, single submitter. Criteria: Invitae Variant Classification Sherloc (09022015). Collection method: clinical testing. Allele origin: germline.
Comment: This sequence change replaces proline with alanine at codon 1356 of the SLX4 protein (p.Pro1356Ala). The proline residue is weakly conserved and there is a small physicochemical difference between proline and alanine. This variant is present in population databases (rs532756081, ExAC 0.01%). This variant has not been reported in the literature in individuals affected with SLX4-related conditions. Algorithms developed to predict the effect of missense changes on protein structure and function (SIFT, PolyPhen-2, Align-GVGD) all suggest that this variant is likely to be tolerated. In summary, the available evidence is currently insufficient to determine the role of this variant in disease. Therefore, it has been classified as a Variant of Uncertain Significance.